The following is an entry in ClinVar:

NM_016156.6(MTMR2):c.1810C>A (p.Arg604=)

Gene: MTMR2 (myotubularin related protein 2; minus strand). Cytogenetic location: 11q21.
Variant type: single nucleotide variant.
Coding change: c.1810C>A on transcript NM_016156.6 (MANE Select); coding-DNA position 1810, C replaced by A.
Protein change: p.Arg604=; no amino-acid change (arginine 604 retained).
Molecular consequence: synonymous variant.
Genome position (GRCh38, 1-based): chr11:95,835,412, G>T on the plus strand (C>A on the coding strand, the complement: MTMR2 is on the minus strand). VCF-style: chr11-95835412-G-T. GRCh37 (hg19) VCF-style: chr11-95568576-G-T.
Other names: c.1810C>A (NM_016156.5); c.1594C>A, p.Arg532= (NM_001243571.2, NM_201278.3, NM_201281.3).
Identifiers: ClinVar variation 1656693 (VCV001656693.9), dbSNP rs138746296, ClinGen allele CA6239847.
Genomic context (GRCh38, chr11:95,835,412, plus strand): 5'-AGGTTGATCGGTTAGAAATCTCTCTCTGTAGTTCCTCTACTTTTTTCTGAAGCTCTGCTC[G>T]TTTAGCAAGAAGTTCTTTGTATCTGTTGTGAATAGGTTCCTGCAAGAGCAAAACATAAAA-3'
Protein context (NP_057240.3, residues 594-614): HNRYKELLAK[Arg604=]AELQKKVEEL

ClinVar aggregate classification (germline): Likely benign. Review status: criteria provided, multiple submitters, no conflicts (2 of 4 stars). 2 submissions from 2 submitters: Likely benign (2). Last evaluated 2026-01-21.

Conditions:
Charcot-Marie-Tooth disease type 4. Also called: Charcot-Marie-Tooth disease, type IV; Charcot-Marie-Tooth, Type 4. Identifiers: Orphanet 64749, MedGen C4082197, MONDO:0018995.
MTMR2-related disorder. Also called: MTMR2-related condition.

Allele frequency attached by ClinVar (database versions not stated): TOPMed 0.00008; 1000 Genomes Project 30x 0.00016; 1000 Genomes Project 0.00020; ESP Exome Variant Server 0.00023.
gnomAD v4.1: 18 of 1,613,084 alleles (0.0011%); highest among the groups gnomAD compares: African/African-American, 0.02%; no homozygotes.

Submissions (2):

PreventionGenetics, part of Exact Sciences
Classification: Likely benign for MTMR2-related condition. Last evaluated: 2026-01-21. Review status: criteria provided, single submitter. Criteria: ACMG Guidelines, 2015. Collection method: clinical testing. Allele origin: germline.
Comment: This variant is classified as likely benign based on ACMG/AMP sequence variant interpretation guidelines (Richards et al. 2015 PMID: 25741868, with internal and published modifications).

Labcorp Genetics (formerly Invitae), Labcorp
Classification: Likely benign for Charcot-Marie-Tooth disease type 4. Last evaluated: 2025-10-08. Review status: criteria provided, single submitter. Criteria: Invitae Variant Classification Sherloc (09022015). Collection method: clinical testing. Allele origin: germline.